The following is an entry in ClinVar:

NM_001127198.5(TMC6):c.982T>G (p.Cys328Gly)

Gene: TMC6 (transmembrane channel like 6; minus strand). Cytogenetic location: 17q25.3.
Variant type: single nucleotide variant.
Coding change: c.982T>G on transcript NM_001127198.5 (MANE Select); coding-DNA position 982, T replaced by G.
Protein change: p.Cys328Gly; replaces cysteine 328 with glycine.
Molecular consequence: missense variant. On other transcripts: non-coding transcript variant (4).
Genome position (GRCh38, 1-based): chr17:78,124,089, A>C on the plus strand (T>G on the coding strand, the complement: TMC6 is on the minus strand). VCF-style: chr17-78124089-A-C. GRCh37 (hg19) VCF-style: chr17-76120170-A-C.
Other names: c.982T>G, p.Cys328Gly (NM_001321185.1, NM_001374593.1, NM_001374594.1 and 4 more transcripts); short protein forms C328G.
Identifiers: ClinVar variation 1412081 (VCV001412081.4), dbSNP rs1446169271, ClinGen allele CA401232066.

ClinVar aggregate classification (germline): Uncertain significance (1 of 4 stars; one submission).

Conditions:
Epidermodysplasia verruciformis. Identifiers: Orphanet 302, MedGen C0014522, MONDO:0009176.

Allele frequency attached by ClinVar (database versions not stated): gnomAD exomes below 0.00001.
gnomAD v4.1: 7 of 1,613,240 alleles (0.00043%); highest among the groups gnomAD compares: African/African-American, 0.0027%; no homozygotes.

Submission:

Labcorp Genetics (formerly Invitae), Labcorp
Classification: Uncertain significance for Epidermodysplasia verruciformis. Last evaluated: 2021-08-11. Review status: criteria provided, single submitter. Criteria: Invitae Variant Classification Sherloc (09022015). Collection method: clinical testing. Allele origin: germline.
Comment: Algorithms developed to predict the effect of missense changes on protein structure and function are either unavailable or do not agree on the potential impact of this missense change (SIFT: "Not Available"; PolyPhen-2: "Probably Damaging"; Align-GVGD: "Not Available"). This variant has not been reported in the literature in individuals with TMC6-related conditions. This variant is not present in population databases (ExAC no frequency). This sequence change replaces cysteine with glycine at codon 328 of the TMC6 protein (p.Cys328Gly). The cysteine residue is moderately conserved and there is a large physicochemical difference between cysteine and glycine. In summary, the available evidence is currently insufficient to determine the role of this variant in disease. Therefore, it has been classified as a Variant of Uncertain Significance.